The following is an entry in ClinVar:

NM_000059.4(BRCA2):c.2213G>A (p.Cys738Tyr)

Gene: BRCA2 (BRCA2 DNA repair associated; plus strand). Cytogenetic location: 13q13.1.
Variant type: single nucleotide variant.
Coding change: c.2213G>A on transcript NM_000059.4 (MANE Select); coding-DNA position 2213, G replaced by A.
Protein change: p.Cys738Tyr; replaces cysteine 738 with tyrosine.
Molecular consequence: missense variant.
Genome position (GRCh38, 1-based): chr13:32,336,568, G>A. VCF-style: chr13-32336568-G-A. GRCh37 (hg19) VCF-style: chr13-32910705-G-A.
Other names: short protein forms C738Y.
Identifiers: ClinVar variation 495439 (VCV000495439.13), dbSNP rs1219265131, ClinGen allele CA387770594.

ClinVar aggregate classification (germline): Conflicting classifications of pathogenicity. Review status: criteria provided, conflicting classifications (1 of 4 stars). 6 submissions from 6 submitters: Uncertain significance (5); Likely benign (1). Last evaluated 2024-12-24.

Conditions:
Hereditary breast ovarian cancer syndrome. Also called: Hereditary breast and ovarian cancer syndrome (HBOC); Breast and ovarian cancer; Hereditary breast and ovarian cancer; BRCA1- and BRCA2-Associated Hereditary Breast and Ovarian Cancer; Hereditary breast and/or ovarian cancer syndrome; Hereditary breast and ovarian cancer syndrome. Identifiers: Orphanet 145, MedGen C0677776, MeSH D061325, MONDO:0003582. Disease mechanism: loss of function.
Hereditary cancer-predisposing syndrome. Also called: Tumor predisposition; Hereditary neoplastic syndrome; Neoplastic Syndromes, Hereditary; Hereditary Cancer Syndrome. Identifiers: Orphanet 140162, MedGen C0027672, MeSH D009386, MONDO:0015356.
Breast-ovarian cancer, familial, susceptibility to, 2 (BROVCA2). Also called: BRCA2 Hereditary Breast and Ovarian Cancer. Identifiers: Orphanet 145, MedGen C2675520, MONDO:0012933, OMIM 612555. Disease mechanism: loss of function.

Allele frequency attached by ClinVar (database versions not stated): gnomAD exomes below 0.00001; gnomAD 0.00005 and 0.00006; TOPMed 0.00006.
gnomAD v4.1: 9 of 1,613,956 alleles (0.00056%); highest among the groups gnomAD compares: Admixed American, 0.013%; no homozygotes.

Submissions (6):

Labcorp Genetics (formerly Invitae), Labcorp
Classification: Uncertain significance for Hereditary breast ovarian cancer syndrome. Last evaluated: 2024-12-24. Review status: criteria provided, single submitter. Criteria: Invitae Variant Classification Sherloc (09022015). Collection method: clinical testing. Allele origin: germline.
Comment: This sequence change replaces cysteine, which is neutral and slightly polar, with tyrosine, which is neutral and polar, at codon 738 of the BRCA2 protein (p.Cys738Tyr). This variant is not present in population databases (gnomAD no frequency). This variant has not been reported in the literature in individuals affected with BRCA2-related conditions. ClinVar contains an entry for this variant (Variation ID: 495439). Invitae Evidence Modeling of protein sequence and biophysical properties (such as structural, functional, and spatial information, amino acid conservation, physicochemical variation, residue mobility, and thermodynamic stability) indicates that this missense variant is not expected to disrupt BRCA2 protein function with a negative predictive value of 95%. In summary, the available evidence is currently insufficient to determine the role of this variant in disease. Therefore, it has been classified as a Variant of Uncertain Significance.

All of Us Research Program, National Institutes of Health
Classification: Uncertain significance for Breast-ovarian cancer, familial, susceptibility to, 2. Last evaluated: 2023-08-15. Review status: criteria provided, single submitter. Criteria: ACMG Guidelines, 2015. Collection method: clinical testing. Allele origin: germline. Inheritance: Autosomal dominant inheritance. Observed: 1 variant allele, 1 heterozygote.
Comment: This missense variant replaces cysteine with tyrosine at codon 738 of the BRCA2 protein. Computational prediction suggests that this variant may not impact protein structure and function (internally defined REVEL score threshold <= 0.5, PMID: 27666373). To our knowledge, functional studies have not been reported for this variant. This variant has not been reported in individuals affected with BRCA2-related disorders in the literature. This variant has not been identified in the general population by the Genome Aggregation Database (gnomAD). The available evidence is insufficient to determine the role of this variant in disease conclusively. Therefore, this variant is classified as a Variant of Uncertain Significance.

This study involves interpretation of variants in research participants for the purpose of population health screening. Participant phenotype was not available at the time of variant classification. Additional details can be found in publication PMID: 35346344, PMCID: PMC8962531

GeneDx
Classification: Uncertain significance. Last evaluated: 2023-07-24. Review status: criteria provided, single submitter. Criteria: GeneDx Variant Classification Process June 2021. Collection method: clinical testing. Allele origin: germline. Affected: yes.
Comment: Not observed at significant frequency in large population cohorts (gnomAD); In silico analysis supports that this missense variant does not alter protein structure/function; Has not been previously published as pathogenic or benign to our knowledge; Also known as 2441G>A; This variant is associated with the following publications: (PMID: 31911673, 29884841, 32377563)

University of Washington Department of Laboratory Medicine, University of Washington
Classification: Likely benign for Hereditary cancer-predisposing syndrome. Last evaluated: 2023-03-23. Review status: criteria provided, single submitter. Criteria: Dines et al. (Genet Med. 2020). Collection method: curation. Allele origin: germline.
Comment: Missense variant in a coldspot region where missense variants are very unlikely to be pathogenic (PMID:31911673).

BRCA2 exon 11 coldspot. Reclassification based on statistical prior probability.

Ambry Genetics
Classification: Uncertain significance for Hereditary cancer-predisposing syndrome. Last evaluated: 2019-04-09. Review status: criteria provided, single submitter. Criteria: Ambry Variant Classification Scheme 2023. Collection method: clinical testing. Allele origin: germline.
Comment: The p.C738Y variant (also known as c.2213G>A), located in coding exon 10 of the BRCA2 gene, results from a G to A substitution at nucleotide position 2213. The cysteine at codon 738 is replaced by tyrosine, an amino acid with highly dissimilar properties. This amino acid position is poorly conserved in available vertebrate species. In addition, this alteration is predicted to be tolerated by in silico analysis. Since supporting evidence is limited at this time, the clinical significance of this alteration remains unclear.

Women's Health and Genetics/Laboratory Corporation of America, LabCorp
Classification: Uncertain significance. Last evaluated: 2016-09-15. Review status: criteria provided, single submitter. Criteria: LabCorp Variant Classification Summary - May 2015. Collection method: clinical testing. Allele origin: germline.
Comment: Variant summary: The BRCA2 c.2213G>A (p.Cys738Tyr) variant involves the alteration of a non-conserved nucleotide. 3/4 in silico tools predict a benign outcome for this variant. This variant is absent in 121132 control chromosomes from ExAC. The variant of interest has not, to our knowledge, been reported in affected individuals via publications and/or reputable databases/clinical diagnostic laboratories; nor evaluated for functional impact by in vivo/vitro studies. Because of the absence of clinical information and the lack of functional studies, the variant is currently classified as a variant of uncertain significance (VUS) until additional information becomes available.